The following is an entry in ClinVar:

ClinVar aggregate classification (germline): Uncertain significance. Review status: criteria provided, multiple submitters, no conflicts (2 of 4 stars). 2 submissions from 2 submitters: Uncertain significance (2). Last evaluated 2025-03-31.

Conditions:
ANXA11-related disorder. Also called: ANXA11-related condition.

Allele frequency attached by ClinVar (database versions not stated): gnomAD exomes below 0.00001; TOPMed below 0.00001; ExAC 0.00001.
gnomAD v4.1: 2 of 1,609,482 alleles (0.00012%); highest among the groups gnomAD compares: Non-Finnish European, 0.00017%; no homozygotes.

Submissions (2):

PreventionGenetics, part of Exact Sciences
Classification: Uncertain significance for ANXA11-related condition. Last evaluated: 2025-03-31. Review status: criteria provided, single submitter. Criteria: ACMG Guidelines, 2015. Collection method: clinical testing. Allele origin: germline.
Comment: The ANXA11 c.1087-1G>A variant is predicted to disrupt the AG splice acceptor site and interfere with normal splicing. This variant has been reported as a variant of uncertain significance in an individual with amyotrophic lateral sclerosis (ALS, Müller et al. 2018. PubMed ID: 29650794). This variant is reported in 0.0018% of alleles in individuals of European (Non-Finnish) descent in gnomAD. The clinical significance of loss-of-function or splice site variants in ANXA11 is currently uncertain. At this time, the clinical significance of this variant is uncertain due to the absence of conclusive functional and genetic evidence.

Labcorp Genetics (formerly Invitae), Labcorp
Classification: Uncertain significance. Last evaluated: 2023-09-25. Review status: criteria provided, single submitter. Criteria: Invitae Variant Classification Sherloc (09022015). Collection method: clinical testing. Allele origin: germline.
Comment: In summary, the available evidence is currently insufficient to determine the role of this variant in disease. Therefore, it has been classified as a Variant of Uncertain Significance. Algorithms developed to predict the effect of sequence changes on RNA splicing suggest that this variant may disrupt the consensus splice site. Disruption of this splice site has been observed in individual(s) with amyotrophic lateral sclerosis (PMID: 29650794). The frequency data for this variant in the population databases is considered unreliable, as metrics indicate poor data quality at this position in the gnomAD database. This sequence change affects an acceptor splice site in intron 10 of the ANXA11 gene. It is expected to disrupt RNA splicing. Variants that disrupt the donor or acceptor splice site typically lead to a loss of protein function (PMID: 16199547), however the current clinical and genetic evidence is not sufficient to establish whether loss-of-function variants in ANXA11 cause disease.

Literature cited by the submitters: PubMed 29650794 (cited by Labcorp Genetics (formerly Invitae), Labcorp); PubMed 16199547 (cited by Labcorp Genetics (formerly Invitae), Labcorp).

NM_145868.2(ANXA11):c.1087-1G>A

Gene: ANXA11 (annexin A11; minus strand). Cytogenetic location: 10q22.3.
Variant type: single nucleotide variant.
Coding change: c.1087-1G>A on transcript NM_145868.2 (MANE Select); the canonical splice acceptor site of the intron before coding-DNA position 1087, G replaced by A.
Molecular consequence: splice acceptor variant.
Genome position (GRCh38, 1-based): chr10:80,162,029, C>T on the plus strand (G>A on the coding strand, the complement: ANXA11 is on the minus strand). VCF-style: chr10-80162029-C-T. GRCh37 (hg19) VCF-style: chr10-81921785-C-T.
Other names: c.1087-1G>A (NM_001278407.2, NM_001157.3, NM_145869.2 and 2 more transcripts); c.988-1G>A (NM_001278409.2).
Identifiers: ClinVar variation 2910244 (VCV002910244.4), dbSNP rs769495145, ClinGen allele CA5575923.